The following is an entry in ClinVar:

ClinVar aggregate classification (germline): Likely benign (1 of 4 stars; one submission).

Allele frequency attached by ClinVar (database versions not stated): gnomAD 0.00004; TOPMed 0.00004; ExAC 0.00005; ESP Exome Variant Server 0.00008.
gnomAD v4.1: 39 of 1,509,714 alleles (0.0026%); highest among the groups gnomAD compares: Admixed American, 0.0086%; no homozygotes.

Submission:

CeGaT Center for Human Genetics Tuebingen
Classification: Likely benign. Last evaluated: 2022-11-01. Review status: criteria provided, single submitter. Criteria: CeGaT Center For Human Genetics Tuebingen Variant Classification Criteria Version 2. Collection method: clinical testing. Allele origin: germline. Affected: yes. Observed: 1 variant allele.
Comment: STT3B: BP4, BP7

NM_178862.3(STT3B):c.249C>T (p.Ala83=)

Gene: STT3B (STT3 oligosaccharyltransferase complex catalytic subunit B; plus strand). Cytogenetic location: 3p23.
Variant type: single nucleotide variant.
Coding change: c.249C>T on transcript NM_178862.3 (MANE Select); coding-DNA position 249, C replaced by T.
Protein change: p.Ala83=; no amino-acid change (alanine 83 retained).
Molecular consequence: synonymous variant.
Genome position (GRCh38, 1-based): chr3:31,533,247, C>T. VCF-style: chr3-31533247-C-T. GRCh37 (hg19) VCF-style: chr3-31574739-C-T.
Identifiers: ClinVar variation 2653643 (VCV002653643.24), dbSNP rs370416470, ClinGen allele CA2294891.